The following is an entry in ClinVar:

NM_001191058.4(PDE1C):c.279C>T (p.Ser93=)

Gene: PDE1C (phosphodiesterase 1C; minus strand). Cytogenetic location: 7p14.3.
Variant type: single nucleotide variant.
Coding change: c.279C>T on transcript NM_001191058.4; coding-DNA position 279, C replaced by T.
Protein change: p.Ser93=; no amino-acid change (serine 93 retained).
Molecular consequence: synonymous variant.
Genome position (GRCh38, 1-based): chr7:32,169,814, G>A on the plus strand (C>T on the coding strand, the complement: PDE1C is on the minus strand). VCF-style: chr7-32169814-G-A. GRCh37 (hg19) VCF-style: chr7-32209426-G-A.
Other names: c.279C>T, p.Ser93= (NM_001322058.2); c.504C>T, p.Ser168= (NM_001322059.2).
Identifiers: ClinVar variation 778019 (VCV000778019.8), dbSNP rs60578446, ClinGen allele CA4211390.

ClinVar aggregate classification (germline): Benign. Review status: criteria provided, single submitter (1 of 4 stars). 2 submissions from 2 submitters: Benign (1). 1 of the submissions does not count toward it. Last evaluated 2019-12-31.

Conditions:
PDE1C-related disorder. Also called: PDE1C-related condition.

Allele frequency attached by ClinVar (database versions not stated): 1000 Genomes Project 0.01018; 1000 Genomes Project 30x 0.01124; gnomAD exomes 0.00265; ExAC 0.00305; TOPMed 0.01142; gnomAD 0.01013 and 0.01078.

Submissions (2):

Labcorp Genetics (formerly Invitae), Labcorp
Classification: Benign. Last evaluated: 2019-12-31. Review status: criteria provided, single submitter. Criteria: Invitae Variant Classification Sherloc (09022015). Collection method: clinical testing. Allele origin: germline.

PreventionGenetics, part of Exact Sciences
Classification: Benign for PDE1C-related condition. Last evaluated: 2019-09-23. Review status: no assertion criteria provided. Collection method: clinical testing. Allele origin: germline. Not counted in ClinVar's aggregate classification.
Comment: This variant is classified as benign based on ACMG/AMP sequence variant interpretation guidelines (Richards et al. 2015 PMID: 25741868, with internal and published modifications).